The following is an entry in ClinVar:

NM_000030.3(AGXT):c.614C>G (p.Ser205Trp)

Gene: AGXT (alanine--glyoxylate aminotransferase; plus strand). Cytogenetic location: 2q37.3.
Variant type: single nucleotide variant.
Coding change: c.614C>G on transcript NM_000030.3 (MANE Select); coding-DNA position 614, C replaced by G.
Protein change: p.Ser205Trp; replaces serine 205 with tryptophan.
Molecular consequence: missense variant.
Genome position (GRCh38, 1-based): chr2:240,873,996, C>G. VCF-style: chr2-240873996-C-G. GRCh37 (hg19) VCF-style: chr2-241813413-C-G.
Other names: short protein forms S205W.
Identifiers: ClinVar variation 4849183 (VCV004849183.1).

ClinVar aggregate classification (germline): Uncertain significance (1 of 4 stars; one submission).

Submission:

Women's Health and Genetics/Laboratory Corporation of America, LabCorp
Classification: Uncertain significance. Last evaluated: 2026-04-21. Review status: criteria provided, single submitter. Criteria: LabCorp Variant Classification Summary - May 2015. Collection method: clinical testing. Allele origin: germline.
Comment: Variant summary: AGXT c.614C>G (p.Ser205Trp) results in a non-conservative amino acid change in the encoded protein sequence. Algorithms developed to predict the effect of missense changes on protein structure and function all suggest that this variant is likely to be disruptive. The variant was absent in 251126 control chromosomes. The available data on variant occurrences in the general population are insufficient to allow any conclusion about variant significance. To our knowledge, no occurrence of c.614C>G in individuals affected with AGXT-related conditions and no experimental evidence demonstrating its impact on protein function have been reported. Different variants affecting the same codon have been classified as likely pathogenic/pathogenic (c.614C>T, p.S205L; c.613T>C, p.S205P), supporting the critical relevance of codon 205 to AGXT protein function. No submitters have cited clinical significance assessments for this variant in ClinVar. Based on the evidence outlined above, the variant was classified as VUS-possibly pathogenic.